The following is an entry in ClinVar:

ClinVar aggregate classification (germline): Uncertain significance. Review status: criteria provided, multiple submitters, no conflicts (2 of 4 stars). 2 submissions from 2 submitters: Uncertain significance (2). Last evaluated 2026-07-17.

Conditions:
Cardiovascular phenotype. Identifiers: MedGen CN230736.
Distal myopathy with posterior leg and anterior hand involvement. Also called: WILLIAMS DISTAL MYOPATHY. Identifiers: Orphanet 63273, MedGen C3279722, MONDO:0013550, OMIM 614065.
Myofibrillar myopathy 5. Also called: Filaminopathy (type); FILAMINOPATHY, AUTOSOMAL DOMINANT. Identifiers: Orphanet 171445, MedGen C1836050, MONDO:0012289, OMIM 609524.
Hypertrophic cardiomyopathy 26. Also called: Cardiomyopathy, familial hypertrophic, 26. Identifiers: Orphanet 75249, MedGen C4310749, MONDO:0014883, OMIM 617047.

Submissions (2):

Ambry Genetics
Classification: Uncertain significance for Cardiovascular phenotype. Last evaluated: 2026-07-17. Review status: criteria provided, single submitter. Criteria: Ambry Variant Classification Scheme 2023. Collection method: clinical testing. Allele origin: germline.
Comment: The p.I852T variant (also known as c.2555T>C), located in coding exon 17 of the FLNC gene, results from a T to C substitution at nucleotide position 2555. The isoleucine at codon 852 is replaced by threonine, an amino acid with similar properties. This amino acid position is conserved. In addition, this alteration is predicted to be deleterious by in silico analysis. Based on the available evidence, the clinical significance of this variant remains unclear.

Labcorp Genetics (formerly Invitae), Labcorp
Classification: Uncertain significance for Distal myopathy with posterior leg and anterior hand involvement; Myofibrillar myopathy 5; Hypertrophic cardiomyopathy 26. Last evaluated: 2021-03-16. Review status: criteria provided, single submitter. Criteria: Invitae Variant Classification Sherloc (09022015). Collection method: clinical testing. Allele origin: germline.
Comment: In summary, the available evidence is currently insufficient to determine the role of this variant in disease. Therefore, it has been classified as a Variant of Uncertain Significance. Algorithms developed to predict the effect of missense changes on protein structure and function are either unavailable or do not agree on the potential impact of this missense change (SIFT: "Deleterious"; PolyPhen-2: "Possibly Damaging"; Align-GVGD: "Class C0"). This variant has not been reported in the literature in individuals with FLNC-related conditions. This variant is not present in population databases (ExAC no frequency). This sequence change replaces isoleucine with threonine at codon 852 of the FLNC protein (p.Ile852Thr). The isoleucine residue is highly conserved and there is a moderate physicochemical difference between isoleucine and threonine.

NM_001458.5(FLNC):c.2555T>C (p.Ile852Thr)

Gene: FLNC (filamin C; plus strand). Cytogenetic location: 7q32.1.
Variant type: single nucleotide variant.
Coding change: c.2555T>C on transcript NM_001458.5 (MANE Select); coding-DNA position 2555, T replaced by C.
Protein change: p.Ile852Thr; replaces isoleucine 852 with threonine.
Molecular consequence: missense variant.
Genome position (GRCh38, 1-based): chr7:128,843,233, T>C. VCF-style: chr7-128843233-T-C. GRCh37 (hg19) VCF-style: chr7-128483287-T-C.
Other names: c.2555T>C, p.Ile852Thr (NM_001127487.2); c.2555T>C (NM_001458.4); short protein forms I852T.
Identifiers: ClinVar variation 1417994 (VCV001417994.9), dbSNP rs111482519, ClinGen allele CA166176121.